The following is an entry in ClinVar:

ClinVar aggregate classification (germline): Benign (1 of 4 stars; one submission).

Conditions:
CEDNIK syndrome. Also called: CEREBRAL DYSGENESIS, NEUROPATHY, ICHTHYOSIS, AND PALMOPLANTAR KERATODERMA SYNDROME; Cerebral dysgenesis, neuropathy, ichthyosis, and palmoplantar keratoderma. Identifiers: Orphanet 66631, MedGen C1836033, MONDO:0012290, OMIM 609528.

Allele frequency attached by ClinVar (database versions not stated): gnomAD 0.04409 and 0.04739; 1000 Genomes Project 0.04732; TOPMed 0.04963; 1000 Genomes Project 30x 0.05262.

Submission:

Illumina Laboratory Services, Illumina
Classification: Benign for CEDNIK syndrome. Last evaluated: 2018-01-12. Review status: criteria provided, single submitter. Criteria: ICSL Variant Classification Criteria 13 December 2019. Collection method: clinical testing. Allele origin: germline.
Comment: This variant was observed in the ICSL laboratory as part of a predisposition screen in an ostensibly healthy population. It had not been previously curated by ICSL or reported in the Human Gene Mutation Database (HGMD: prior to June 1st, 2018), and was therefore a candidate for classification through an automated scoring system. Utilizing variant allele frequency, disease prevalence and penetrance estimates, and inheritance mode, an automated score was calculated to assess if this variant is too frequent to cause the disease. Based on the score and internal cut-off values, a variant classified as benign is not then subjected to further curation. The score for this variant resulted in a classification of benign for this disease.

NM_004782.4(SNAP29):c.*1490T>C

Gene: SNAP29 (synaptosome associated protein 29; plus strand). Cytogenetic location: 22q11.21.
Variant type: single nucleotide variant.
Coding change: c.*1490T>C on transcript NM_004782.4 (MANE Select); 1490 bases downstream of the stop codon, T replaced by C.
Molecular consequence: 3 prime UTR variant.
Genome position (GRCh38, 1-based): chr22:20,889,326, T>C. VCF-style: chr22-20889326-T-C. GRCh37 (hg19) VCF-style: chr22-21243614-T-C.
Identifiers: ClinVar variation 340863 (VCV000340863.5), dbSNP rs12168260, ClinGen allele CA10645138.
Genomic context (GRCh38, chr22:20,889,326, plus strand): 5'-CCACAAGTGCTGCAACAGTGCATTAGTTTTTATGTAGCAATTTGTTTATAAAAATTCCCA[T>C]CCCATAATGCATGACCTTCCTAAAAATATCCACAGCCTCCATAGGCAAGGTGAGCTTTCT-3'